The following is an entry in ClinVar:

NM_001129.5(AEBP1):c.1961_1963delinsTAG (p.Arg654_Ser655delinsLeuGly)

Gene: AEBP1 (AE binding protein 1; plus strand). Cytogenetic location: 7p13.
Variant type: Indel.
Coding change: c.1961_1963delinsTAG on transcript NM_001129.5 (MANE Select); coding-DNA positions 1961 to 1963, GCA replaced by TAG.
Protein change: p.Arg654_Ser655delinsLeuGly.
Molecular consequence: missense variant.
Genome position (GRCh38, 1-based): chr7:44,111,974-44,111,976, GCA replaced by TAG. VCF-style: chr7-44111974-GCA-TAG. GRCh37 (hg19) VCF-style: chr7-44151573-GCA-TAG.
Identifiers: ClinVar variation 3907452 (VCV003907452.1).

ClinVar aggregate classification (germline): Uncertain significance (1 of 4 stars; one submission).

Submission:

Women's Health and Genetics/Laboratory Corporation of America, LabCorp
Classification: Uncertain significance. Last evaluated: 2025-06-02. Review status: criteria provided, single submitter. Criteria: LabCorp Variant Classification Summary - May 2015. Collection method: clinical testing. Allele origin: germline.
Comment: Variant summary: AEBP1 c.1961_1963delinsTAG (p.Arg654_Ser655delinsLeuGly) results in an in-frame deletion-insertion that is predicted to delete/insert 2 amino acids from the protein, thus causing changes to 2 amino acids. The variant was absent in 250800 control chromosomes (gnomAD). The available data on variant occurrences in the general population are insufficient to allow any conclusion about variant significance. To our knowledge, no occurrence of c.1961_1963delinsTAG in individuals affected with Ehlers-Danlos syndrome, classic-like, 2 and no experimental evidence demonstrating its impact on protein function have been reported. No submitters have cited clinical-significance assessments for this variant to ClinVar. Based on the evidence outlined above, the variant was classified as uncertain significance.